The following is an entry in ClinVar:

ClinVar aggregate classification (germline): Conflicting classifications of pathogenicity. Review status: criteria provided, conflicting classifications (1 of 4 stars). 8 submissions from 8 submitters: Uncertain significance (4); Likely benign (2). 2 of the submissions do not count toward it. Last evaluated 2025-12-24.

Conditions:
RECQL4-related disorder. Also called: RECQL4-related disorders; RECQL4-related condition.
Rothmund-Thomson syndrome type 2 (RTS2). Identifiers: Orphanet 221016, MedGen C5203410, MONDO:0016369, OMIM 268400.
Baller-Gerold syndrome (BGS). Also called: CRANIOSYNOSTOSIS WITH RADIAL DEFECTS. Identifiers: Orphanet 1225, MedGen C0265308, MONDO:0009039, OMIM 218600.

Allele frequency attached by ClinVar (database versions not stated): ESP Exome Variant Server 0.00008; 1000 Genomes Project 30x 0.00016; ExAC 0.00018; gnomAD exomes 0.00018 and 0.00047; 1000 Genomes Project 0.00020; TOPMed 0.00024; gnomAD 0.00027 and 0.00029.
gnomAD v4.1: 708 of 1,609,312 alleles (0.044%); highest among the groups gnomAD compares: Non-Finnish European, 0.057%; no homozygotes.

Submissions (8):

Labcorp Genetics (formerly Invitae), Labcorp
Classification: Likely benign for Baller-Gerold syndrome. Last evaluated: 2025-12-24. Review status: criteria provided, single submitter. Criteria: Invitae Variant Classification Sherloc (09022015). Collection method: clinical testing. Allele origin: germline.

PreventionGenetics, part of Exact Sciences
Classification: Uncertain significance for RECQL4-related condition. Last evaluated: 2025-05-27. Review status: criteria provided, single submitter. Criteria: ACMG Guidelines, 2015. Collection method: clinical testing. Allele origin: germline.
Comment: The RECQL4 c.2260C>T variant is predicted to result in the amino acid substitution p.Arg754Trp. To our knowledge, this variant has not been reported in the literature. This variant is reported in 0.038% of alleles in individuals of European (Non-Finnish) descent in gnomAD. At this time, the clinical significance of this variant is uncertain due to the absence of conclusive functional and genetic evidence.

St. Jude Molecular Pathology, St. Jude Children's Research Hospital
Classification: Uncertain significance for Rothmund-Thomson syndrome type 2. Last evaluated: 2024-12-08. Review status: criteria provided, single submitter. Criteria: St. Jude Assertion Criteria 2020. Collection method: clinical testing. Allele origin: germline.
Comment: The RECQL4 c.2260C>T (p.Arg754Trp) missense change has a maximum subpopulation frequency of 0.05% in gnomAD v2.1.1. In silico tools are not in agreement about the effect of this variant on protein function, but to our knowledge these predictions have not been confirmed by functional assays. This variant has been identified in 2 of 1358 control individuals collected as part of a non-cancer studies (PMID: 29641532). To our knowledge, this variant has not been reported in individuals with RECQL4-associated conditions. In summary, the evidence currently available is insufficient to determine the clinical significance of this variant. It has therefore been classified as of uncertain significance.

Blueprint Genetics
Classification: Uncertain significance. Last evaluated: 2024-10-25. Review status: criteria provided, single submitter. Criteria: ACMG Guidelines, 2015. Collection method: clinical testing. Allele origin: germline.

GeneDx
Classification: Uncertain significance. Last evaluated: 2024-06-05. Review status: criteria provided, single submitter. Criteria: GeneDx Variant Classification Process June 2021. Collection method: clinical testing. Allele origin: germline. Affected: yes.
Comment: In silico analysis supports that this missense variant has a deleterious effect on protein structure/function; Has not been previously published as pathogenic or benign to our knowledge; This variant is associated with the following publications: (PMID: 29641532)

CeGaT Center for Human Genetics Tuebingen
Classification: Likely benign. Last evaluated: 2022-09-01. Review status: criteria provided, single submitter. Criteria: CeGaT Center For Human Genetics Tuebingen Variant Classification Criteria Version 2. Collection method: clinical testing. Allele origin: germline. Affected: yes. Observed: 1 variant allele.
Comment: RECQL4: BP4

Clinical Genetics DNA and cytogenetics Diagnostics Lab, Erasmus MC, Erasmus Medical Center
Classification: Likely benign. Review status: no assertion criteria provided. Collection method: clinical testing. Allele origin: germline. Affected: yes. Study: VKGL Data-share Consensus. Not counted in ClinVar's aggregate classification.

Laboratory of Diagnostic Genome Analysis, Leiden University Medical Center (LUMC)
Classification: Likely benign. Review status: no assertion criteria provided. Collection method: clinical testing. Allele origin: germline. Affected: yes. Study: VKGL Data-share Consensus. Not counted in ClinVar's aggregate classification.

NM_004260.4(RECQL4):c.2260C>T (p.Arg754Trp)

Gene: RECQL4 (RecQ like helicase 4; minus strand). Cytogenetic location: 8q24.3.
Variant type: single nucleotide variant.
Coding change: c.2260C>T on transcript NM_004260.4 (MANE Select); coding-DNA position 2260, C replaced by T.
Protein change: p.Arg754Trp; replaces arginine 754 with tryptophan.
Molecular consequence: missense variant.
Genome position (GRCh38, 1-based): chr8:144,513,421, G>A on the plus strand (C>T on the coding strand, the complement: RECQL4 is on the minus strand). VCF-style: chr8-144513421-G-A. GRCh37 (hg19) VCF-style: chr8-145738805-G-A.
Other names: short protein forms R754W.
Identifiers: ClinVar variation 239721 (VCV000239721.42), dbSNP rs193024188, ClinGen allele CA4948359.